The following is an entry in ClinVar:

NM_004787.4(SLIT2):c.1209A>T (p.Leu403=)

Gene: SLIT2 (slit guidance ligand 2; plus strand). Cytogenetic location: 4p15.31.
Variant type: single nucleotide variant.
Coding change: c.1209A>T on transcript NM_004787.4 (MANE Select); coding-DNA position 1209, A replaced by T.
Protein change: p.Leu403=; no amino-acid change (leucine 403 retained).
Molecular consequence: synonymous variant.
Genome position (GRCh38, 1-based): chr4:20,523,838, A>T. VCF-style: chr4-20523838-A-T. GRCh37 (hg19) VCF-style: chr4-20525461-A-T.
Other names: c.1221A>T, p.Leu407= (NM_001289135.3); c.1209A>T, p.Leu403= (NM_001289136.3).
Identifiers: ClinVar variation 2172130 (VCV002172130.8), dbSNP rs34224151, ClinGen allele CA2871388.

ClinVar aggregate classification (germline): Likely benign. Review status: criteria provided, multiple submitters, no conflicts (2 of 4 stars). 2 submissions from 2 submitters: Likely benign (2). Last evaluated 2026-01-01.

gnomAD v4.1: 385 of 1,613,884 alleles (0.024%); highest among the groups gnomAD compares: South Asian, 0.048%; no homozygotes.

Submissions (2):

CeGaT Center for Human Genetics Tuebingen
Classification: Likely benign. Last evaluated: 2026-01-01. Review status: criteria provided, single submitter. Criteria: CeGaT Center For Human Genetics Tuebingen Variant Classification Criteria Version 2. Collection method: clinical testing. Allele origin: germline. Affected: yes. Observed: 1 variant allele.
Comment: SLIT2: BP4, BP7

Labcorp Genetics (formerly Invitae), Labcorp
Classification: Likely benign. Last evaluated: 2025-09-25. Review status: criteria provided, single submitter. Criteria: Invitae Variant Classification Sherloc (09022015). Collection method: clinical testing. Allele origin: germline.